The following is an entry in ClinVar:

NM_002439.5(MSH3):c.1057G>C (p.Ala353Pro)

Gene: MSH3 (mutS homolog 3; plus strand). Cytogenetic location: 5q14.1.
Variant type: single nucleotide variant.
Coding change: c.1057G>C on transcript NM_002439.5 (MANE Select); coding-DNA position 1057, G replaced by C.
Protein change: p.Ala353Pro; replaces alanine 353 with proline.
Molecular consequence: missense variant.
Genome position (GRCh38, 1-based): chr5:80,675,012, G>C. VCF-style: chr5-80675012-G-C. GRCh37 (hg19) VCF-style: chr5-79970831-G-C.
Other names: short protein forms A353P.
Identifiers: ClinVar variation 1778997 (VCV001778997.2), dbSNP rs1749806720, ClinGen allele CA360267924.

ClinVar aggregate classification (germline): Uncertain significance (1 of 4 stars; one submission).

Conditions:
Hereditary cancer-predisposing syndrome. Also called: Neoplastic Syndromes, Hereditary; Tumor predisposition; Hereditary Cancer Syndrome; Hereditary neoplastic syndrome. Identifiers: Orphanet 140162, MedGen C0027672, MeSH D009386, MONDO:0015356.

Submission:

Ambry Genetics
Classification: Uncertain significance for Hereditary cancer-predisposing syndrome. Last evaluated: 2020-12-08. Review status: criteria provided, single submitter. Criteria: Ambry Variant Classification Scheme 2023. Collection method: clinical testing. Allele origin: germline.
Comment: The p.A353P variant (also known as c.1057G>C), located in coding exon 7 of the MSH3 gene, results from a G to C substitution at nucleotide position 1057. The alanine at codon 353 is replaced by proline, an amino acid with highly similar properties. This amino acid position is not well conserved in available vertebrate species. In addition, this alteration is predicted to be tolerated by in silico analysis. Since supporting evidence is limited at this time, the clinical significance of this alteration remains unclear.